The following is an entry in ClinVar:

NM_006514.4(SCN10A):c.2431G>C (p.Glu811Gln)

Gene: SCN10A (sodium voltage-gated channel alpha subunit 10; minus strand). Cytogenetic location: 3p22.2.
Variant type: single nucleotide variant.
Coding change: c.2431G>C on transcript NM_006514.4 (MANE Select); coding-DNA position 2431, G replaced by C.
Protein change: p.Glu811Gln; replaces glutamic acid 811 with glutamine.
Molecular consequence: missense variant.
Genome position (GRCh38, 1-based): chr3:38,728,751, C>G on the plus strand (G>C on the coding strand, the complement: SCN10A is on the minus strand). VCF-style: chr3-38728751-C-G. GRCh37 (hg19) VCF-style: chr3-38770242-C-G.
Other names: p.Glu811Gln; c.2431G>C, p.Glu811Gln (NM_001293306.2); c.2137G>C, p.Glu713Gln (NM_001293307.2); short protein forms E811Q, E713Q.
Identifiers: ClinVar variation 450736 (VCV000450736.11), dbSNP rs77049337, ClinGen allele CA2320547.

ClinVar aggregate classification (germline): Uncertain significance. Review status: criteria provided, multiple submitters, no conflicts (2 of 4 stars). 3 submissions from 3 submitters: Uncertain significance (3). Last evaluated 2025-08-13.

Conditions:
Brugada syndrome. Also called: Sudden unexpected nocturnal death syndrome; Sudden unexplained nocturnal death syndrome; Sudden Unexplained Death Syndrome; Sudden Unexplained Nocturnal Death Syndrome (SUNDS). Identifiers: Orphanet 130, MedGen C1142166, MONDO:0015263.

Allele frequency attached by ClinVar (database versions not stated): ExAC 0.00001; gnomAD 0.00001; gnomAD exomes 0.00001 and 0.00003; TOPMed 0.00001.
gnomAD v4.1: 52 of 1,614,026 alleles (0.0032%); highest among the groups gnomAD compares: Non-Finnish European, 0.0037%; no homozygotes.

Submissions (3):

Labcorp Genetics (formerly Invitae), Labcorp
Classification: Uncertain significance for Brugada syndrome. Last evaluated: 2025-08-13. Review status: criteria provided, single submitter. Criteria: Invitae Variant Classification Sherloc (09022015). Collection method: clinical testing. Allele origin: germline.
Comment: This sequence change replaces glutamic acid, which is acidic and polar, with glutamine, which is neutral and polar, at codon 811 of the SCN10A protein (p.Glu811Gln). This variant is present in population databases (rs77049337, gnomAD 0.004%). This variant has not been reported in the literature in individuals affected with SCN10A-related conditions. ClinVar contains an entry for this variant (Variation ID: 450736). Invitae Evidence Modeling of protein sequence and biophysical properties (such as structural, functional, and spatial information, amino acid conservation, physicochemical variation, residue mobility, and thermodynamic stability) indicates that this missense variant is not expected to disrupt SCN10A protein function with a negative predictive value of 80%. In summary, the available evidence is currently insufficient to determine the role of this variant in disease. Therefore, it has been classified as a Variant of Uncertain Significance.

Mayo Clinic Laboratories, Mayo Clinic
Classification: Uncertain significance. Last evaluated: 2021-06-17. Review status: criteria provided, single submitter. Criteria: ACMG Guidelines, 2015. Collection method: clinical testing. Allele origin: germline.

GeneDx
Classification: Uncertain significance. Last evaluated: 2017-07-19. Review status: criteria provided, single submitter. Criteria: GeneDx Variant Classification (06012015). Collection method: clinical testing. Allele origin: germline. Affected: yes.
Comment: The E811Q variant in the SCN10A gene has not been reported previously as a pathogenic variant, nor as a benign variant, to our knowledge. The E811Q variant is not observed at a significant frequency in large population cohorts (Lek et al., 2016; 1000 Genomes Consortium et al., 2015; Exome Variant Server). The E811Q variant is a semi-conservative amino acid substitution, which may impact secondary protein structure as these residues differ in some properties. This substitution occurs at a position that is not conserved and in silico analysis is inconsistent in its predictions as to whether or not the variant is damaging to the protein structure/function. We interpret E811Q as a variant of uncertain significance.